The following is an entry in ClinVar:

NM_002860.4(ALDH18A1):c.1247-12A>G

Gene: ALDH18A1 (aldehyde dehydrogenase 18 family member A1; minus strand). Cytogenetic location: 10q24.1.
Variant type: single nucleotide variant.
Coding change: c.1247-12A>G on transcript NM_002860.4 (MANE Select); 12 bases into the intron before coding-DNA position 1247, A replaced by G.
Molecular consequence: intron variant.
Genome position (GRCh38, 1-based): chr10:95,621,263, T>C on the plus strand (A>G on the coding strand, the complement: ALDH18A1 is on the minus strand). VCF-style: chr10-95621263-T-C. GRCh37 (hg19) VCF-style: chr10-97381020-T-C.
Other names: c.611-12A>G (NM_001323419.2); c.914-12A>G (NM_001323412.2, NM_001323416.2); c.1142-12A>G (NM_001323417.2); c.1241-12A>G (NM_001017423.2, NM_001323415.2); c.908-12A>G (NM_001323418.2); c.1247-12A>G (NM_001323413.2, NM_001323414.2).
Identifiers: ClinVar variation 3760590 (VCV003760590.2).

ClinVar aggregate classification (germline): Uncertain significance (1 of 4 stars; one submission).

Conditions:
Cutis laxa, autosomal dominant 3 (ADCL3). Identifiers: Orphanet 90348, MedGen C4225268, MONDO:0014706, OMIM 616603.
Autosomal dominant spastic paraplegia type 9. Identifiers: MedGen C1832669, MONDO:0015091.
de Barsy syndrome. Also called: Cutis laxa-corneal clouding-oligophrenia syndrome. Identifiers: Orphanet 2962, MedGen C0268354, MONDO:0017569.

Submission:

Labcorp Genetics (formerly Invitae), Labcorp
Classification: Uncertain significance for Autosomal dominant spastic paraplegia type 9; de Barsy syndrome; Cutis laxa, autosomal dominant 3. Last evaluated: 2024-12-12. Review status: criteria provided, single submitter. Criteria: Invitae Variant Classification Sherloc (09022015). Collection method: clinical testing. Allele origin: germline.
Comment: This sequence change falls in intron 11 of the ALDH18A1 gene. It does not directly change the encoded amino acid sequence of the ALDH18A1 protein. This variant is present in population databases (no rsID available, gnomAD 0.003%). This variant has not been reported in the literature in individuals affected with ALDH18A1-related conditions. Algorithms developed to predict the effect of sequence changes on RNA splicing suggest that this variant may disrupt the consensus splice site. In summary, the available evidence is currently insufficient to determine the role of this variant in disease. Therefore, it has been classified as a Variant of Uncertain Significance.